The following is an entry in ClinVar:

NM_004281.4(BAG3):c.1630G>A (p.Asp544Asn)

Gene: BAG3 (BAG cochaperone 3; plus strand). Cytogenetic location: 10q26.11.
Variant type: single nucleotide variant.
Coding change: c.1630G>A on transcript NM_004281.4 (MANE Select); coding-DNA position 1630, G replaced by A.
Protein change: p.Asp544Asn; replaces aspartic acid 544 with asparagine.
Molecular consequence: missense variant.
Genome position (GRCh38, 1-based): chr10:119,677,184, G>A. VCF-style: chr10-119677184-G-A. GRCh37 (hg19) VCF-style: chr10-121436696-G-A.
Other names: short protein forms D544N.
Identifiers: ClinVar variation 424418 (VCV000424418.12), dbSNP rs786205466, ClinGen allele CA16618936.

ClinVar aggregate classification (germline): Uncertain significance. Review status: criteria provided, multiple submitters, no conflicts (2 of 4 stars). 3 submissions from 3 submitters: Uncertain significance (3). Last evaluated 2023-07-31.

Conditions:
Cardiovascular phenotype. Identifiers: MedGen CN230736.
Myofibrillar myopathy 6. Identifiers: Orphanet 199340, MedGen C2751831, MONDO:0013061, OMIM 612954.
Dilated cardiomyopathy 1HH (CMD1HH). Identifiers: Orphanet 154, MedGen C3151293, MONDO:0013479, OMIM 613881.

Allele frequency attached by ClinVar (database versions not stated): gnomAD exomes below 0.00001; TOPMed below 0.00001.
gnomAD v4.1: 1 of 1,614,142 alleles (0.000062%); highest among the groups gnomAD compares: African/African-American, 0.0013%; no homozygotes.

Submissions (3):

Labcorp Genetics (formerly Invitae), Labcorp
Classification: Uncertain significance for Dilated cardiomyopathy 1HH; Myofibrillar myopathy 6. Last evaluated: 2023-07-31. Review status: criteria provided, single submitter. Criteria: Invitae Variant Classification Sherloc (09022015). Collection method: clinical testing. Allele origin: germline.
Comment: In summary, the available evidence is currently insufficient to determine the role of this variant in disease. Therefore, it has been classified as a Variant of Uncertain Significance. Advanced modeling of protein sequence and biophysical properties (such as structural, functional, and spatial information, amino acid conservation, physicochemical variation, residue mobility, and thermodynamic stability) performed at Invitae indicates that this missense variant is not expected to disrupt BAG3 protein function. ClinVar contains an entry for this variant (Variation ID: 424418). This variant has not been reported in the literature in individuals affected with BAG3-related conditions. This variant is present in population databases (no rsID available, gnomAD 0.007%). This sequence change replaces aspartic acid, which is acidic and polar, with asparagine, which is neutral and polar, at codon 544 of the BAG3 protein (p.Asp544Asn).

Ambry Genetics
Classification: Uncertain significance for Cardiovascular phenotype. Last evaluated: 2023-07-13. Review status: criteria provided, single submitter. Criteria: Ambry Variant Classification Scheme 2023. Collection method: clinical testing. Allele origin: germline.
Comment: The p.D544N variant (also known as c.1630G>A), located in coding exon 4 of the BAG3 gene, results from a G to A substitution at nucleotide position 1630. The aspartic acid at codon 544 is replaced by asparagine, an amino acid with highly similar properties. This amino acid position is not well conserved in available vertebrate species, and asparagine is the reference amino acid in other vertebrate species. In addition, this alteration is predicted to be tolerated by in silico analysis. Since supporting evidence is limited at this time, the clinical significance of this alteration remains unclear.

GeneDx
Classification: Uncertain significance. Last evaluated: 2017-03-22. Review status: criteria provided, single submitter. Criteria: GeneDx Variant Classification (06012015). Collection method: clinical testing. Allele origin: germline. Affected: yes.
Comment: The D544N variant of uncertain significance in the BAG3 gene has not been published as pathogenic or been reported as benign to our knowledge. This variant is not observed in large population cohorts (Lek et al., 2016; 1000 Genomes Consortium et al., 2015; Exome Variant Server). The D544N variant is a semi-conservative amino acid substitution, which may impact secondary protein structure as these residues differ in some properties. However, this substitution occurs at a position that is not conserved across species, and 2/3 in silico algorithms predict this variant likely does not alter the protein structure/function.